The following is an entry in ClinVar:

NM_000135.4(FANCA):c.1844C>T (p.Pro615Leu)

Gene: FANCA (FA complementation group A; minus strand). Cytogenetic location: 16q24.3.
Variant type: single nucleotide variant.
Coding change: c.1844C>T on transcript NM_000135.4 (MANE Select); coding-DNA position 1844, C replaced by T.
Protein change: p.Pro615Leu; replaces proline 615 with leucine.
Molecular consequence: missense variant.
Genome position (GRCh38, 1-based): chr16:89,775,798, G>A on the plus strand (C>T on the coding strand, the complement: FANCA is on the minus strand). VCF-style: chr16-89775798-G-A. GRCh37 (hg19) VCF-style: chr16-89842206-G-A.
Other names: c.1844C>T, p.Pro615Leu (NM_001286167.3); short protein forms P615L.
Identifiers: ClinVar variation 1986061 (VCV001986061.4), dbSNP rs997083097, ClinGen allele CA286570711.

ClinVar aggregate classification (germline): Uncertain significance. Review status: criteria provided, multiple submitters, no conflicts (2 of 4 stars). 2 submissions from 2 submitters: Uncertain significance (2). Last evaluated 2025-03-09.

Conditions:
Inborn genetic diseases. Identifiers: MedGen C0950123, MeSH D030342.
Fanconi anemia (FA). Also called: Fanconi's anemia. Identifiers: Orphanet 84, MedGen C0015625, MeSH D005199, MONDO:0019391.

Allele frequency attached by ClinVar (database versions not stated): gnomAD 0.00001; TOPMed 0.00002.
gnomAD v4.1: 2 of 1,611,606 alleles (0.00012%); highest among the groups gnomAD compares: African/African-American, 0.0013%; no homozygotes.

Submissions (2):

Ambry Genetics
Classification: Uncertain significance for Inborn genetic diseases. Last evaluated: 2025-03-09. Review status: criteria provided, single submitter. Criteria: Ambry Variant Classification Scheme 2023. Collection method: clinical testing. Allele origin: germline.
Comment: The p.P615L variant (also known as c.1844C>T), located in coding exon 21 of the FANCA gene, results from a C to T substitution at nucleotide position 1844. The proline at codon 615 is replaced by leucine, an amino acid with similar properties. This amino acid position is conserved. In addition, this alteration is predicted to be tolerated by in silico analysis. Based on the available evidence, the clinical significance of this variant remains unclear.

Labcorp Genetics (formerly Invitae), Labcorp
Classification: Uncertain significance for Fanconi anemia. Last evaluated: 2024-08-31. Review status: criteria provided, single submitter. Criteria: Invitae Variant Classification Sherloc (09022015). Collection method: clinical testing. Allele origin: germline.
Comment: This sequence change replaces proline, which is neutral and non-polar, with leucine, which is neutral and non-polar, at codon 615 of the FANCA protein (p.Pro615Leu). This variant is not present in population databases (gnomAD no frequency). This variant has not been reported in the literature in individuals affected with FANCA-related conditions. ClinVar contains an entry for this variant (Variation ID: 1986061). Invitae Evidence Modeling of protein sequence and biophysical properties (such as structural, functional, and spatial information, amino acid conservation, physicochemical variation, residue mobility, and thermodynamic stability) indicates that this missense variant is not expected to disrupt FANCA protein function with a negative predictive value of 80%. In summary, the available evidence is currently insufficient to determine the role of this variant in disease. Therefore, it has been classified as a Variant of Uncertain Significance.